The following is an entry in ClinVar:

NM_000138.5(FBN1):c.415G>T (p.Gly139Ter)

Gene: FBN1 (fibrillin 1; minus strand). Cytogenetic location: 15q21.1.
Variant type: single nucleotide variant.
Coding change: c.415G>T on transcript NM_000138.5 (MANE Select); coding-DNA position 415, G replaced by T.
Protein change: p.Gly139Ter; replaces glycine 139 with a stop codon.
Molecular consequence: nonsense.
Genome position (GRCh38, 1-based): chr15:48,600,166, C>A on the plus strand (G>T on the coding strand, the complement: FBN1 is on the minus strand). VCF-style: chr15-48600166-C-A. GRCh37 (hg19) VCF-style: chr15-48892363-C-A.
Other names: c.415G>T, p.Gly139Ter (NM_001406716.1, NM_001406717.1); short protein forms G139*.
Identifiers: ClinVar variation 2925581 (VCV002925581.3), dbSNP rs397515800, ClinGen allele CA392446488.

ClinVar aggregate classification (germline): Pathogenic (1 of 4 stars; one submission).

Conditions:
Marfan syndrome (MFS). Also called: MARFAN SYNDROME, TYPE I; Marfan syndrome type 1; Marfan's syndrome; Marfan syndrome, classic; FBN1-Related Marfan Syndrome. Identifiers: Orphanet 284963, Orphanet 558, MedGen C0024796, MONDO:0007947, OMIM 154700.
Familial thoracic aortic aneurysm and aortic dissection (TAAD). Also called: Thoracic aortic aneurysms and dissections. Identifiers: Orphanet 91387, MedGen C4707243, MONDO:0019625.

Submission:

Labcorp Genetics (formerly Invitae), Labcorp
Classification: Pathogenic for Marfan syndrome; Familial thoracic aortic aneurysm and aortic dissection. Last evaluated: 2023-01-28. Review status: criteria provided, single submitter. Criteria: Invitae Variant Classification Sherloc (09022015). Collection method: clinical testing. Allele origin: germline.
Comment: For these reasons, this variant has been classified as Pathogenic. This premature translational stop signal has been observed in individual(s) with clinical features of Marfan syndrome (PMID: 25652356). This variant is not present in population databases (gnomAD no frequency). This sequence change creates a premature translational stop signal (p.Gly139*) in the FBN1 gene. It is expected to result in an absent or disrupted protein product. Loss-of-function variants in FBN1 are known to be pathogenic (PMID: 17657824, 19293843).

Literature cited by the submitters: PubMed 25652356; PubMed 17657824; PubMed 19293843.